The following is an entry in ClinVar:

ClinVar aggregate classification (germline): Uncertain significance (1 of 4 stars; one submission).

Conditions:
Malignant hyperthermia, susceptibility to, 5 (MHS5). Also called: CACNA1S-Related Malignant Hyperthermia Susceptibility. Identifiers: Orphanet 423, MedGen C1866077, MONDO:0011163, OMIM 601887.

gnomAD v4.1: 3 of 1,614,054 alleles (0.00019%); highest among the groups gnomAD compares: Non-Finnish European, 0.00025%; no homozygotes.

Submission:

All of Us Research Program, National Institutes of Health
Classification: Uncertain significance for Malignant hyperthermia, susceptibility to, 5. Last evaluated: 2024-03-24. Review status: criteria provided, single submitter. Criteria: ACMG Guidelines, 2015. Collection method: clinical testing. Allele origin: germline. Inheritance: Autosomal dominant inheritance. Observed: 1 variant allele, 1 heterozygote.
Comment: This missense variant replaces alanine with aspartic acid at codon 1492 of the CACNA1S protein. Computational prediction suggests that this variant may not impact protein structure and function. To our knowledge, functional studies have not been reported for this variant. This variant has not been reported in individuals affected with CACNA1S-related disorders in the literature. This variant has been identified in 1/31398 chromosomes in the general population by the Genome Aggregation Database (gnomAD). The available evidence is insufficient to determine the role of this variant in disease conclusively. Therefore, this variant is classified as a Variant of Uncertain Significance.

This study involves interpretation of variants in research participants for the purpose of population health screening. Participant phenotype was not available at the time of variant classification. Additional details can be found in publication PMID: 35346344, PMCID: PMC8962531

NM_000069.3(CACNA1S):c.4475C>A (p.Ala1492Asp)

Gene: CACNA1S (calcium voltage-gated channel subunit alpha1 S; minus strand). Cytogenetic location: 1q32.1.
Variant type: single nucleotide variant.
Coding change: c.4475C>A on transcript NM_000069.3 (MANE Select); coding-DNA position 4475, C replaced by A.
Protein change: p.Ala1492Asp; replaces alanine 1492 with aspartic acid.
Molecular consequence: missense variant.
Genome position (GRCh38, 1-based): chr1:201,047,593, G>T on the plus strand (C>A on the coding strand, the complement: CACNA1S is on the minus strand). VCF-style: chr1-201047593-G-T. GRCh37 (hg19) VCF-style: chr1-201016721-G-T.
Other names: short protein forms A1492D.
Identifiers: ClinVar variation 3386300 (VCV003386300.1).
Genomic context (GRCh38, chr1:201,047,593, plus strand): 5'-GGAGGGATGACCTGGTCCAAGAGCTTCATGCTGGTTCTCTTCCAGATCTTCTTGATGATG[G>T]CCCTCAGCTCCTCGTTGGCCTGCTCAAAGTTACCTGGAGCAGGAGAAAGGCAAAAGTTAC-3'
Protein context (NP_000060.2, residues 1482-1502): NFEQANEELR[Ala1492Asp]IIKKIWKRTS